The following is an entry in ClinVar:

ClinVar aggregate classification (germline): Uncertain significance (1 of 4 stars; one submission).

Allele frequency attached by ClinVar (database versions not stated): gnomAD exomes below 0.00001; TOPMed below 0.00001.
gnomAD v4.1: 2 of 1,613,116 alleles (0.00012%); highest among the groups gnomAD compares: African/African-American, 0.0027%; no homozygotes.

Submission:

Labcorp Genetics (formerly Invitae), Labcorp
Classification: Uncertain significance. Last evaluated: 2023-10-24. Review status: criteria provided, single submitter. Criteria: Invitae Variant Classification Sherloc (09022015). Collection method: clinical testing. Allele origin: germline.
Comment: This sequence change replaces lysine, which is basic and polar, with glutamic acid, which is acidic and polar, at codon 123 of the TGFB1 protein (p.Lys123Glu). This variant is present in population databases (no rsID available, gnomAD 0.007%). This variant has not been reported in the literature in individuals affected with TGFB1-related conditions. Advanced modeling of protein sequence and biophysical properties (such as structural, functional, and spatial information, amino acid conservation, physicochemical variation, residue mobility, and thermodynamic stability) performed at Invitae indicates that this missense variant is not expected to disrupt TGFB1 protein function with a negative predictive value of 80%. In summary, the available evidence is currently insufficient to determine the role of this variant in disease. Therefore, it has been classified as a Variant of Uncertain Significance.

NM_000660.7(TGFB1):c.367A>G (p.Lys123Glu)

Gene: TGFB1 (transforming growth factor beta 1; minus strand). Cytogenetic location: 19q13.2.
Variant type: single nucleotide variant.
Coding change: c.367A>G on transcript NM_000660.7 (MANE Select); coding-DNA position 367, A replaced by G.
Protein change: p.Lys123Glu; replaces lysine 123 with glutamic acid.
Molecular consequence: missense variant.
Genome position (GRCh38, 1-based): chr19:41,348,444, T>C on the plus strand (A>G on the coding strand, the complement: TGFB1 is on the minus strand). VCF-style: chr19-41348444-T-C. GRCh37 (hg19) VCF-style: chr19-41854349-T-C.
Other names: short protein forms K123E.
Identifiers: ClinVar variation 3006669 (VCV003006669.3), dbSNP rs1235029131, ClinGen allele CA406003828.